The following is an entry in ClinVar:

NM_001351132.2(PEX5):c.1631C>T (p.Ala544Val)

Gene: PEX5 (peroxisomal biogenesis factor 5; plus strand). Cytogenetic location: 12p13.31.
Variant type: single nucleotide variant.
Coding change: c.1631C>T on transcript NM_001351132.2 (MANE Select); coding-DNA position 1631, C replaced by T.
Protein change: p.Ala544Val; replaces alanine 544 with valine.
Molecular consequence: missense variant.
Genome position (GRCh38, 1-based): chr12:7,209,753, C>T. VCF-style: chr12-7209753-C-T. GRCh37 (hg19) VCF-style: chr12-7362349-C-T.
Other names: c.1607C>T, p.Ala536Val (NM_000319.5); c.1676C>T, p.Ala559Val (NM_001131023.2); c.1520C>T, p.Ala507Val (NM_001131024.2, NM_001351124.3, NM_001351126.2 and 7 more transcripts); c.1631C>T, p.Ala544Val (NM_001131025.2, NM_001131026.2, NM_001300789.3 and 4 more transcripts); c.1565C>T, p.Ala522Val (NM_001351135.3, NM_001351138.2); c.1622C>T, p.Ala541Val (NM_001351136.2); c.1496C>T, p.Ala499Val (NM_001351139.2, NM_001351140.2, NM_001374649.2); short protein forms A499V, A536V, A559V, A507V, A522V, A544V, A541V.
Identifiers: ClinVar variation 1945710 (VCV001945710.2), dbSNP rs367586808, ClinGen allele CA232476986.

ClinVar aggregate classification (germline): Uncertain significance (1 of 4 stars; one submission).

Conditions:
Peroxisome biogenesis disorder 2B (PBD2B). Identifiers: Orphanet 44, MedGen C3550234, MONDO:0008736, OMIM 202370.

Allele frequency attached by ClinVar (database versions not stated): gnomAD exomes 0.00001; gnomAD 0.00002; TOPMed 0.00002; ESP Exome Variant Server 0.00008.
gnomAD v4.1: 20 of 1,568,738 alleles (0.0013%); highest among the groups gnomAD compares: South Asian, 0.0022%; no homozygotes.

Submission:

Labcorp Genetics (formerly Invitae), Labcorp
Classification: Uncertain significance for Peroxisome biogenesis disorder 2B. Last evaluated: 2022-03-17. Review status: criteria provided, single submitter. Criteria: Invitae Variant Classification Sherloc (09022015). Collection method: clinical testing. Allele origin: germline.
Comment: This sequence change replaces alanine, which is neutral and non-polar, with valine, which is neutral and non-polar, at codon 544 of the PEX5 protein (p.Ala544Val). This variant is present in population databases (rs367586808, gnomAD 0.007%). This variant has not been reported in the literature in individuals affected with PEX5-related conditions. Algorithms developed to predict the effect of missense changes on protein structure and function (SIFT, PolyPhen-2, Align-GVGD) all suggest that this variant is likely to be disruptive. In summary, the available evidence is currently insufficient to determine the role of this variant in disease. Therefore, it has been classified as a Variant of Uncertain Significance.